The following is an entry in ClinVar:

NM_001164508.2(NEB):c.24508G>C (p.Gly8170Arg)

Genes: NEB (nebulin; minus strand), RIF1 (replication timing regulatory factor 1; plus strand). Cytogenetic location: 2q23.3.
Variant type: single nucleotide variant.
Coding change: c.24508G>C on transcript NM_001164508.2 (MANE Select); coding-DNA position 24508, G replaced by C.
Protein change: p.Gly8170Arg; replaces glycine 8170 with arginine.
Molecular consequence: missense variant.
Genome position (GRCh38, 1-based): chr2:151,494,232, C>G on the plus strand (G>C on the coding strand, the complement: NEB is on the minus strand). VCF-style: chr2-151494232-C-G. GRCh37 (hg19) VCF-style: chr2-152350746-C-G.
Other names: c.24508G>C, p.Gly8170Arg (NM_001164507.2); c.24613G>C, p.Gly8205Arg (NM_001271208.2); c.18940G>C, p.Gly6314Arg (NM_004543.5); short protein forms G8170R, G6314R, G8205R.
Identifiers: ClinVar variation 1349447 (VCV001349447.8), dbSNP rs1553537770, ClinGen allele CA348776967.
Genomic context (GRCh38, chr2:151,494,232, plus strand): 5'-TTTCTTGATTGCGTTTGACTCTCTGCATCTCAGGAGTGACAGGGGTTGCGGTGGCTTTCC[C>G]CACATTTTCTTTGTACAAAACCTATGGGAATCCAATGGGTCCAAAAAGCCAAAAAGAAAA-3'
Protein context (NP_001157980.2, residues 8160-8180): ISSVLYKENV[Gly8170Arg]KATATPVTPE

ClinVar aggregate classification (germline): Uncertain significance (1 of 4 stars; one submission).

Conditions:
Nemaline myopathy 2 (NEM2). Also called: Nemaline myopathy 2, autosomal recessive. Identifiers: MedGen C1850569, MONDO:0009725, OMIM 256030.

Allele frequency attached by ClinVar (database versions not stated): gnomAD exomes below 0.00001.
gnomAD v4.1: 1 of 1,602,054 alleles (0.000062%); highest among the groups gnomAD compares: South Asian, 0.0011%; no homozygotes.

Submission:

Labcorp Genetics (formerly Invitae), Labcorp
Classification: Uncertain significance for Nemaline myopathy 2. Last evaluated: 2022-10-04. Review status: criteria provided, single submitter. Criteria: Invitae Variant Classification Sherloc (09022015). Collection method: clinical testing. Allele origin: germline.
Comment: In summary, the available evidence is currently insufficient to determine the role of this variant in disease. Therefore, it has been classified as a Variant of Uncertain Significance. Algorithms developed to predict the effect of sequence changes on RNA splicing suggest that this variant may create or strengthen a splice site. Algorithms developed to predict the effect of missense changes on protein structure and function are either unavailable or do not agree on the potential impact of this missense change (SIFT: "Deleterious"; PolyPhen-2: "Not Available"; Align-GVGD: "Class C0"). ClinVar contains an entry for this variant (Variation ID: 1349447). This variant has not been reported in the literature in individuals affected with NEB-related conditions. This variant is not present in population databases (gnomAD no frequency). This sequence change replaces glycine, which is neutral and non-polar, with arginine, which is basic and polar, at codon 8205 of the NEB protein (p.Gly8205Arg).